The following is an entry in ClinVar:

NM_032620.4(GTPBP3):c.8G>A (p.Arg3Gln)

Gene: GTPBP3 (GTP binding protein 3, mitochondrial; plus strand). Cytogenetic location: 19p13.11.
Variant type: single nucleotide variant.
Coding change: c.8G>A on transcript NM_032620.4 (MANE Select); coding-DNA position 8, G replaced by A.
Protein change: p.Arg3Gln; replaces arginine 3 with glutamine.
Molecular consequence: missense variant. On other transcripts: intron variant (1).
Genome position (GRCh38, 1-based): chr19:17,337,619, G>A. VCF-style: chr19-17337619-G-A. GRCh37 (hg19) VCF-style: chr19-17448428-G-A.
Other names: c.8G>A, p.Arg3Gln (NM_001128855.3, NM_133644.4); c.120-389G>A (NM_001195422.1); short protein forms R3Q.
Identifiers: ClinVar variation 2039048 (VCV002039048.2), dbSNP rs1057518138, ClinGen allele CA404730342.
Genomic context (GRCh38, chr19:17,337,619, plus strand): 5'-AGACTTGAAGCCACACAGGCAGGTCGGGCAGGCGGGTCGCAGGTTGTAAATCCATGTGGC[G>A]GGGGCTTTGGACCCTGGCGGCCCAAGCGGCACGTGGGCCTCGCAGGTGGGGCTACAGGGG-3'
Protein context (NP_116009.2, residues 1-13): MW[Arg3Gln]GLWTLAAQAA

ClinVar aggregate classification (germline): Uncertain significance (1 of 4 stars; one submission).

gnomAD v4.1: 2 of 1,324,954 alleles (0.00015%); highest among the groups gnomAD compares: South Asian, 0.0024%; no homozygotes.

Submission:

Labcorp Genetics (formerly Invitae), Labcorp
Classification: Uncertain significance. Last evaluated: 2022-05-12. Review status: criteria provided, single submitter. Criteria: Invitae Variant Classification Sherloc (09022015). Collection method: clinical testing. Allele origin: germline.
Comment: In summary, the available evidence is currently insufficient to determine the role of this variant in disease. Therefore, it has been classified as a Variant of Uncertain Significance. Algorithms developed to predict the effect of missense changes on protein structure and function are either unavailable or do not agree on the potential impact of this missense change (SIFT: "Tolerated"; PolyPhen-2: "Probably Damaging"; Align-GVGD: "Class C0"). This variant has not been reported in the literature in individuals affected with GTPBP3-related conditions. This variant is not present in population databases (gnomAD no frequency). This sequence change replaces arginine, which is basic and polar, with glutamine, which is neutral and polar, at codon 3 of the GTPBP3 protein (p.Arg3Gln).